The following is an entry in ClinVar:

NM_000202.8(IDS):c.1268_1269dup (p.Val424fs)

Gene: IDS (iduronate 2-sulfatase; minus strand). Cytogenetic location: Xq28.
Variant type: Duplication.
Coding change: c.1268_1269dup on transcript NM_000202.8 (MANE Select); coding-DNA positions 1268 to 1269, 2 bases duplicated (CC; older notation c.1268_1269dupCC).
Protein change: p.Val424fs; shifts the reading frame from valine 424.
Molecular consequence: frameshift variant.
Genome position (GRCh38, 1-based): chrX:149,483,130-149,483,131, GG duplicated on the plus strand (CC on the coding strand, the reverse complement: IDS is on the minus strand); duplicating any 2 consecutive bases within chrX:149,483,130-149,483,133 gives the same sequence; the c. name uses the placement nearest the transcript's 3' end. VCF-style (leftmost placement, unchanged base first): chrX-149483129-C-CGG. GRCh37 (hg19) VCF-style: chrX-148564660-C-CGG.
Other names: c.998_999dup, p.Val334fs (NM_001166550.4); short protein forms V334fs, V424fs.
Identifiers: ClinVar variation 3256005 (VCV003256005.2).
Genomic context (GRCh38, chrX:149,483,129, plus strand): 5'-ATCGAAAATGCTTCAGAAGGTTCTTGCCTTCTCTGCACAGCTCAACGTGAAATGAAGGAA[C>CGG]GGGGCAGCGAGGTGGAACCTGCAGTCCTGCAAGTCCAGCCAGCGTGGGAAAAAGAGACAC-3'

ClinVar aggregate classification (germline): Likely pathogenic (1 of 4 stars; one submission).

Conditions:
Mucopolysaccharidosis, MPS-II (MPS2). Also called: Hunter Syndrome; IDURONATE 2-SULFATASE DEFICIENCY; Mucopolysaccharidosis Type II; Mucopolysaccharidosis type 2; Attenuated MPS (subtype; formerly known as mild MPS II); Severe MPS II. Identifiers: Orphanet 580, Orphanet 79388, MedGen C0026705, MONDO:0010674, OMIM 309900.

Submission:

Laboratory of Diagnosis and Therapy of Lysosomal Disorders, University of Padova
Classification: Likely pathogenic for Mucopolysaccharidosis, MPS-II. Last evaluated: 2024-06-07. Review status: criteria provided, single submitter. Criteria: ACMG Guidelines, 2015. Collection method: literature only. Allele origin: germline. Affected: yes. Observed: 3 variant alleles.
Comment: Null variant (PVS1_Strong), Absent from controls (or at low frequency) in gnomAD database (PM2_Moderate), Patient’s phenotype or family history highly specific for the disease (PP4_Moderate)

Classification method: ACMG Guidelines [PMID:25741868] with modifications

Literature cited by the submitters: PubMed 7599640; PubMed 7492967; PubMed 9950361.